The following is an entry in ClinVar:

ClinVar aggregate classification (germline): Uncertain significance (1 of 4 stars; one submission).

Conditions:
Leigh syndrome (NULS). Also called: Leigh's necrotizing encephalopathy; Leigh's disease; Leigh Syndrome (mtDNA deletion); Leigh Disease; Subacute necrotizing encephalopathy; Necrotizing encephalopathy infantile subacute of Leigh. Identifiers: Orphanet 506, MedGen C2931891, MONDO:0009723, OMIM 256000.

Submission:

Wong Mito Lab, Molecular and Human Genetics, Baylor College of Medicine
Classification: Uncertain significance for Leigh syndrome. Last evaluated: 2019-10-17. Review status: criteria provided, single submitter. Criteria: Modified ACMG Guidelines (Unpublished). Collection method: clinical testing. Allele origin: germline.
Comment: The NC_012920.1:m.8735T>C (YP_003024031.1:p.Leu70Pro) variant in MTATP6 gene is interpretated to be a Uncertain Significance variant based on the modified ACMG guidelines (unpublished). This variant meets the following evidence codes: PP7

NC_012920.1(MT-ATP6):m.8735T>C

Gene: MT-ATP6 (mitochondrially encoded ATP synthase 6; plus strand).
Variant type: single nucleotide variant.
Genome position: chrM-8735-T-C.
Identifiers: ClinVar variation 692969 (VCV000692969.1), dbSNP rs1603221752, ClinGen allele CA414797750.
Genomic context (GRCh38, chrMT:8,735, plus strand): 5'-TCAAACTAACCTCAAAACAAATGATAACCATACACAACACTAAAGGACGAACCTGATCTC[T>C]TATACTAGTATCCTTAATCATTTTTATTGCCACAACTAACCTCCTCGGACTCCTGCCTCA-3'